The following is an entry in ClinVar:

NM_000443.4(ABCB4):c.1571C>A (p.Thr524Asn)

Gene: ABCB4 (ATP binding cassette subfamily B member 4; minus strand). Cytogenetic location: 7q21.12.
Variant type: single nucleotide variant.
Coding change: c.1571C>A on transcript NM_000443.4 (MANE Select); coding-DNA position 1571, C replaced by A.
Protein change: p.Thr524Asn; replaces threonine 524 with asparagine.
Molecular consequence: missense variant.
Genome position (GRCh38, 1-based): chr7:87,439,827, G>T on the plus strand (C>A on the coding strand, the complement: ABCB4 is on the minus strand). VCF-style: chr7-87439827-G-T. GRCh37 (hg19) VCF-style: chr7-87069143-G-T.
Other names: c.1571C>A, p.Thr524Asn (NM_018849.3, NM_018850.3); short protein forms T524N.
Identifiers: ClinVar variation 2687816 (VCV002687816.3), dbSNP rs961491395, ClinGen allele CA368039145.

ClinVar aggregate classification (germline): Conflicting classifications of pathogenicity. Review status: criteria provided, conflicting classifications (1 of 4 stars). 3 submissions from 3 submitters: Likely pathogenic (1); Uncertain significance (2). Last evaluated 2026-04-14.

Conditions:
Familial intrahepatic cholestasis. Identifiers: Orphanet 284385, MedGen CN296401, MONDO:0017290.
Progressive familial intrahepatic cholestasis type 3. Also called: MDR3 DEFICIENCY; Low Gamma-GT Familial Intrahepatic Cholestasis. Identifiers: Orphanet 79305, MedGen C1865643, MONDO:0011214, OMIM 602347.

Submissions (3):

Genomenon, Inc
Classification: Uncertain significance for Familial intrahepatic cholestasis. Last evaluated: 2026-04-14. Review status: criteria provided, single submitter. Criteria: Genomenon Sequence Variant Interpretation Standards - Updated. Collection method: curation. Allele origin: germline. Affected: yes.
Comment: ABCB4 p.Thr524Asn (c.1571C>A) is a missense variant that changes the amino acid at residue 524 from Threonine to Asparagine. This variant has been observed in at least one proband with an ABCB4-related disorder (PMID:37697751). It is absent or not present at a significant frequency in gnomAD. In silico models predict that this variant is possibly or probably damaging. In conclusion, we classify ABCB4 p.Thr524Asn (c.1571C>A) as a variant of uncertain significance.

3billion
Classification: Uncertain significance for Progressive familial intrahepatic cholestasis type 3. Last evaluated: 2025-12-08. Review status: criteria provided, single submitter. Criteria: ACMG Guidelines, 2015. Collection method: clinical testing. Allele origin: germline. Affected: yes.
Comment: The variant is observed at an extremely low frequency in the gnomAD v4.1.0 dataset (total allele frequency: <0.001%). Predicted Consequence/Location: Missense variant In silico tool predictions suggest damaging effect of the variant on gene or gene product [REVEL: 0.80 (>=0.6, sensitivity 0.68 and specificity 0.92); 3Cnet: 0.76 (> 0.75, sensitivity 0.96 and precision 0.92)]. The same nucleotide change resulting in the same amino acid change has been previously reported to be associated with ABCB4-related disorder (ClinVar ID: VCV002687816). Therefore, this variant is classified as VUS according to the recommendation of ACMG/AMP guideline.

Rolfs Rare Disease Consulting, Rolfs Consulting Und Verwaltungs GmbH
Classification: Likely pathogenic for Progressive familial intrahepatic cholestasis type 3. Last evaluated: 2019-01-01. Review status: criteria provided, single submitter. Criteria: ACMG Guidelines, 2015. Collection method: clinical testing. Allele origin: germline. Affected: yes.

Literature cited by the submitters: PubMed 37697751 (cited by Genomenon, Inc).